The following is an entry in ClinVar:

NM_017654.4(SAMD9):c.1696G>A (p.Asp566Asn)

Gene: SAMD9 (sterile alpha motif domain containing 9; minus strand). Cytogenetic location: 7q21.2.
Variant type: single nucleotide variant.
Coding change: c.1696G>A on transcript NM_017654.4 (MANE Select); coding-DNA position 1696, G replaced by A.
Protein change: p.Asp566Asn; replaces aspartic acid 566 with asparagine.
Molecular consequence: missense variant.
Genome position (GRCh38, 1-based): chr7:93,104,402, C>T on the plus strand (G>A on the coding strand, the complement: SAMD9 is on the minus strand). VCF-style: chr7-93104402-C-T. GRCh37 (hg19) VCF-style: chr7-92733715-C-T.
Other names: c.1696G>A, p.Asp566Asn (NM_001193307.2); short protein forms D566N.
Identifiers: ClinVar variation 3636745 (VCV003636745.2).

ClinVar aggregate classification (germline): Uncertain significance (1 of 4 stars; one submission).

Submission:

Labcorp Genetics (formerly Invitae), Labcorp
Classification: Uncertain significance. Last evaluated: 2024-03-11. Review status: criteria provided, single submitter. Criteria: Invitae Variant Classification Sherloc (09022015). Collection method: clinical testing. Allele origin: germline.
Comment: This sequence change replaces aspartic acid, which is acidic and polar, with asparagine, which is neutral and polar, at codon 566 of the SAMD9 protein (p.Asp566Asn). This variant is not present in population databases (gnomAD no frequency). This variant has not been reported in the literature in individuals affected with SAMD9-related conditions. Advanced modeling of protein sequence and biophysical properties (such as structural, functional, and spatial information, amino acid conservation, physicochemical variation, residue mobility, and thermodynamic stability) performed at Invitae indicates that this missense variant is not expected to disrupt SAMD9 protein function with a negative predictive value of 95%. In summary, the available evidence is currently insufficient to determine the role of this variant in disease. Therefore, it has been classified as a Variant of Uncertain Significance.